The following is an entry in ClinVar:

NM_001267550.2(TTN):c.51439C>A (p.Pro17147Thr)

Genes: TTN (titin; minus strand), TTN-AS1 (TTN antisense RNA 1; plus strand). Cytogenetic location: 2q31.2.
Variant type: single nucleotide variant.
Coding change: c.51439C>A on transcript NM_001267550.2 (MANE Select); coding-DNA position 51439, C replaced by A.
Protein change: p.Pro17147Thr; replaces proline 17147 with threonine.
Molecular consequence: missense variant.
Genome position (GRCh38, 1-based): chr2:178,609,984, G>T on the plus strand (C>A on the coding strand, the complement: TTN is on the minus strand). VCF-style: chr2-178609984-G-T. GRCh37 (hg19) VCF-style: chr2-179474711-G-T.
Other names: c.43735C>A, p.Pro14579Thr (NM_133378.4); c.46516C>A, p.Pro15506Thr (NM_001256850.1); c.24244C>A, p.Pro8082Thr (NM_003319.4); c.24619C>A, p.Pro8207Thr (NM_133432.3); c.24820C>A, p.Pro8274Thr (NM_133437.4); short protein forms P14579T, P17147T, P15506T, P8082T, P8274T, P8207T.
Identifiers: ClinVar variation 229452 (VCV000229452.5), dbSNP rs876658065, ClinGen allele CA10576518.
Genomic context (GRCh38, chr2:178,609,984, plus strand): 5'-TAATAGTCATTGCCTCCGCTGTAGGATTATGAACCTCTACATCTACAGGTGGATCAGGGG[G>T]TTCTGAAGAACAAGAAAAAAATGTTAGTATCAGGAAAACCACCTTCTTAAAACAAAACTA-3'
Protein context (NP_001254479.2, residues 17137-17157): NPVIAQDPKQ[Pro17147Thr]PDPPVDVEVH

ClinVar aggregate classification (germline): Uncertain significance (1 of 4 stars; one submission).

Allele frequency attached by ClinVar (database versions not stated): gnomAD exomes below 0.00001; gnomAD 0.00001.
gnomAD v4.1: 2 of 1,610,138 alleles (0.00012%); highest among the groups gnomAD compares: Non-Finnish European, 0.00017%; no homozygotes.

Submission:

Laboratory for Molecular Medicine, Mass General Brigham Personalized Medicine
Classification: Uncertain significance. Last evaluated: 2015-04-15. Review status: criteria provided, single submitter. Criteria: LMM Criteria. Collection method: clinical testing. Allele origin: germline. Observed: 1 variant allele.
Comment: The p.Pro14579Thr variant in TTN has not been previously reported in individuals with cardiomyopathy or in large population studies. Computational prediction to ols and conservation analysis do not provide strong support for or against an im pact to the protein. In summary, the clinical significance of the p.Pro14579Thr variant is uncertain.